The following is an entry in ClinVar:

NM_014629.4(ARHGEF10):c.1760C>T (p.Ala587Val)

Gene: ARHGEF10 (Rho guanine nucleotide exchange factor 10; plus strand). Cytogenetic location: 8p23.3.
Variant type: single nucleotide variant.
Coding change: c.1760C>T on transcript NM_014629.4 (MANE Select); coding-DNA position 1760, C replaced by T.
Protein change: p.Ala587Val; replaces alanine 587 with valine.
Molecular consequence: missense variant.
Genome position (GRCh38, 1-based): chr8:1,903,390, C>T. VCF-style: chr8-1903390-C-T. GRCh37 (hg19) VCF-style: chr8-1851556-C-T.
Other names: c.1646C>T, p.Ala549Val (NM_001308152.2); c.1760C>T, p.Ala587Val (NM_001308153.3); short protein forms A587V, A549V, A611V.
Identifiers: ClinVar variation 2980904 (VCV002980904.3), dbSNP rs2537559531, ClinGen allele CA369960620.

ClinVar aggregate classification (germline): Uncertain significance (1 of 4 stars; one submission).

Allele frequency attached by ClinVar (database versions not stated): gnomAD exomes 0.00001.
gnomAD v4.1: 6 of 1,614,214 alleles (0.00037%); highest among the groups gnomAD compares: Non-Finnish European, 0.00051%; no homozygotes.

Submission:

Labcorp Genetics (formerly Invitae), Labcorp
Classification: Uncertain significance. Last evaluated: 2023-09-27. Review status: criteria provided, single submitter. Criteria: Invitae Variant Classification Sherloc (09022015). Collection method: clinical testing. Allele origin: germline.
Comment: This sequence change replaces alanine, which is neutral and non-polar, with valine, which is neutral and non-polar, at codon 587 of the ARHGEF10 protein (p.Ala587Val). This variant is not present in population databases (gnomAD no frequency). This variant has not been reported in the literature in individuals affected with ARHGEF10-related conditions. Advanced modeling of protein sequence and biophysical properties (such as structural, functional, and spatial information, amino acid conservation, physicochemical variation, residue mobility, and thermodynamic stability) performed at Invitae indicates that this missense variant is not expected to disrupt ARHGEF10 protein function. In summary, the available evidence is currently insufficient to determine the role of this variant in disease. Therefore, it has been classified as a Variant of Uncertain Significance.